The following is an entry in ClinVar:

ClinVar aggregate classification (germline): Uncertain significance. Review status: criteria provided, multiple submitters, no conflicts (2 of 4 stars). 2 submissions from 2 submitters: Uncertain significance (2). Last evaluated 2026-08-03.

Conditions:
Inborn genetic diseases. Identifiers: MedGen C0950123, MeSH D030342.

Submissions (2):

GeneDx
Classification: Uncertain significance. Last evaluated: 2026-08-03. Review status: criteria provided, single submitter. Criteria: GeneDx Variant Classification Process June 2021. Collection method: clinical testing. Allele origin: germline.
Comment: Not observed at significant frequency in large population cohorts (gnomAD); In silico analysis supports that this missense variant has a deleterious effect on protein structure/function; Has not been previously published as pathogenic or benign to our knowledge

Ambry Genetics
Classification: Uncertain significance for Inborn genetic diseases. Last evaluated: 2025-11-05. Review status: criteria provided, single submitter. Criteria: Ambry Variant Classification Scheme 2023. Collection method: clinical testing. Allele origin: germline.

NM_001429.4(EP300):c.4408A>G (p.Met1470Val)

Gene: EP300 (EP300 lysine acetyltransferase; plus strand). Cytogenetic location: 22q13.2.
Variant type: single nucleotide variant.
Coding change: c.4408A>G on transcript NM_001429.4 (MANE Select); coding-DNA position 4408, A replaced by G.
Protein change: p.Met1470Val; replaces methionine 1470 with valine.
Molecular consequence: missense variant.
Genome position (GRCh38, 1-based): chr22:41,170,527, A>G. VCF-style: chr22-41170527-A-G. GRCh37 (hg19) VCF-style: chr22-41566531-A-G.
Other names: c.4330A>G, p.Met1444Val (NM_001362843.2); short protein forms M1444V, M1470V.
Identifiers: ClinVar variation 1712199 (VCV001712199.4), dbSNP rs1569117424, ClinGen allele CA411702307.